The following is an entry in ClinVar:

ClinVar aggregate classification (germline): Uncertain significance (1 of 4 stars; one submission).

Submission:

GeneDx
Classification: Uncertain significance. Last evaluated: 2025-02-28. Review status: criteria provided, single submitter. Criteria: GeneDx Variant Classification Process June 2021. Collection method: clinical testing. Allele origin: germline. Affected: yes.
Comment: Not observed at significant frequency in large population cohorts (gnomAD); In silico analysis supports that this missense variant has a deleterious effect on protein structure/function; Has not been previously published as pathogenic or benign to our knowledge

NM_181705.4(LYRM7):c.203C>T (p.Thr68Ile)

Gene: LYRM7 (LYR motif containing 7; plus strand). Cytogenetic location: 5q23.3.
Variant type: single nucleotide variant.
Coding change: c.203C>T on transcript NM_181705.4 (MANE Select); coding-DNA position 203, C replaced by T.
Protein change: p.Thr68Ile; replaces threonine 68 with isoleucine.
Molecular consequence: missense variant. On other transcripts: intron variant (1).
Genome position (GRCh38, 1-based): chr5:131,187,068, C>T. VCF-style: chr5-131187068-C-T. GRCh37 (hg19) VCF-style: chr5-130522761-C-T.
Other names: c.162+4769C>T (NM_001293735.2); short protein forms T68I.
Identifiers: ClinVar variation 4077328 (VCV004077328.1).
Genomic context (GRCh38, chr5:131,187,068, plus strand): 5'-TTGTTTGGTTTTCTTAACAGCTAATGAAAATAGGTTCTGATGTTGAATTATTACTCAGAA[C>T]ATCTGTTATACAAGGTATTCACACAGACCACAATACACTGAGTAAGTAAAATTAAAGAAA-3'
Protein context (NP_859056.2, residues 58-78): IGSDVELLLR[Thr68Ile]SVIQGIHTDH